The following is an entry in ClinVar:

ClinVar aggregate classification (germline): Conflicting classifications of pathogenicity. Review status: criteria provided, conflicting classifications (1 of 4 stars). 4 submissions from 4 submitters: Uncertain significance (3); Likely benign (1). Last evaluated 2025-06-06.

Conditions:
Multiple endocrine neoplasia, type 1 (MEN1). Also called: MEA I; MEN I; WERMER SYNDROME; Endocrine adenomatosis multiple; MEN 1. Identifiers: Orphanet 652, MedGen C0025267, MeSH D018761, MONDO:0007540, OMIM 131100.
Hereditary cancer-predisposing syndrome. Also called: Hereditary neoplastic syndrome; Hereditary Cancer Syndrome; Neoplastic Syndromes, Hereditary; Tumor predisposition. Identifiers: Orphanet 140162, MedGen C0027672, MeSH D009386, MONDO:0015356.

Allele frequency attached by ClinVar (database versions not stated): gnomAD exomes below 0.00001.

Submissions (4):

Ambry Genetics
Classification: Uncertain significance for Hereditary cancer-predisposing syndrome. Last evaluated: 2025-06-06. Review status: criteria provided, single submitter. Criteria: Ambry Variant Classification Scheme 2023. Collection method: clinical testing. Allele origin: germline.
Comment: The p.R206H variant (also known as c.617G>A), located in coding exon 2 of the MEN1 gene, results from a G to A substitution at nucleotide position 617. The arginine at codon 206 is replaced by histidine, an amino acid with highly similar properties. This amino acid position is highly conserved in available vertebrate species. In addition, this alteration is predicted to be deleterious by in silico analysis. Based on the available evidence, the clinical significance of this variant remains unclear.

Labcorp Genetics (formerly Invitae), Labcorp
Classification: Likely benign for Multiple endocrine neoplasia, type 1. Last evaluated: 2025-05-05. Review status: criteria provided, single submitter. Criteria: Invitae Variant Classification Sherloc (09022015). Collection method: clinical testing. Allele origin: germline.

All of Us Research Program, National Institutes of Health
Classification: Uncertain significance for Multiple endocrine neoplasia, type 1. Last evaluated: 2024-04-16. Review status: criteria provided, single submitter. Criteria: ACMG Guidelines, 2015. Collection method: clinical testing. Allele origin: germline. Inheritance: Autosomal dominant inheritance. Observed: 1 variant allele, 1 heterozygote.
Comment: This missense variant replaces arginine with histidine at codon 206 of the MEN1 protein. Computational prediction suggests that this variant may have deleterious impact on protein structure and function (internally defined REVEL score threshold >= 0.7, PMID: 27666373). To our knowledge, functional studies have not been reported for this variant. This variant has not been reported in individuals affected with MEN1-related disorders in the literature. This variant has not been identified in the general population by the Genome Aggregation Database (gnomAD). The available evidence is insufficient to determine the role of this variant in disease conclusively. Therefore, this variant is classified as a Variant of Uncertain Significance.

This study involves interpretation of variants in research participants for the purpose of population health screening. Participant phenotype was not available at the time of variant classification. Additional details can be found in publication PMID: 35346344, PMCID: PMC8962531

GeneDx
Classification: Uncertain significance. Last evaluated: 2024-02-26. Review status: criteria provided, single submitter. Criteria: GeneDx Variant Classification Process June 2021. Collection method: clinical testing. Allele origin: germline.
Comment: Not observed at significant frequency in large population cohorts (gnomAD); In silico analysis supports that this missense variant has a deleterious effect on protein structure/function; Has not been previously published as pathogenic or benign to our knowledge; Also known as c.632G>A; p.R211H; This variant is associated with the following publications: (PMID: 9989505)

NM_001370259.2(MEN1):c.617G>A (p.Arg206His)

Gene: MEN1 (menin 1; minus strand). Cytogenetic location: 11q13.1.
Variant type: single nucleotide variant.
Coding change: c.617G>A on transcript NM_001370259.2 (MANE Select); coding-DNA position 617, G replaced by A.
Protein change: p.Arg206His; replaces arginine 206 with histidine.
Molecular consequence: missense variant. On other transcripts: intron variant (2).
Genome position (GRCh38, 1-based): chr11:64,807,928, C>T on the plus strand (G>A on the coding strand, the complement: MEN1 is on the minus strand). VCF-style: chr11-64807928-C-T. GRCh37 (hg19) VCF-style: chr11-64575400-C-T.
Other names: c.632G>A, p.Arg211His (NM_000244.4, NM_130800.3, NM_130801.3 and 3 more transcripts); c.617G>A, p.Arg206His (NM_001370251.2, NM_001370260.2, NM_001370261.2 and 1 more transcripts); c.549+68G>A (NM_001370263.2, NM_001370262.2); short protein forms R211H, R206H.
Identifiers: ClinVar variation 575550 (VCV000575550.14), dbSNP rs1565647825, ClinGen allele CA381185405.